The following is an entry in ClinVar:

NM_015631.6(TCTN3):c.877C>A (p.Gln293Lys)

Gene: TCTN3 (tectonic family member 3; minus strand). Cytogenetic location: 10q24.1.
Variant type: single nucleotide variant.
Coding change: c.877C>A on transcript NM_015631.6 (MANE Select); coding-DNA position 877, C replaced by A.
Protein change: p.Gln293Lys; replaces glutamine 293 with lysine.
Molecular consequence: missense variant.
Genome position (GRCh38, 1-based): chr10:95,686,506, G>T on the plus strand (C>A on the coding strand, the complement: TCTN3 is on the minus strand). VCF-style: chr10-95686506-G-T. GRCh37 (hg19) VCF-style: chr10-97446263-G-T.
Other names: c.931C>A, p.Gln311Lys (NM_001013840.1); c.640C>A, p.Gln214Lys (NM_001143973.2); c.877C>A, p.Gln293Lys (NM_001410982.1); short protein forms Q214K, Q293K, Q311K.
Identifiers: ClinVar variation 1964780 (VCV001964780.5), dbSNP rs764091969, ClinGen allele CA211804788.

ClinVar aggregate classification (germline): Uncertain significance (1 of 4 stars; one submission).

Conditions:
Joubert syndrome 18 (JBTS18). Identifiers: Orphanet 2754, MedGen C3553758, MONDO:0013896, OMIM 614815.
Orofacial-digital syndrome IV (OFD4). Also called: Orofaciodigital syndrome IV; BARAITSER-BURN SYNDROME; OFD SYNDROME WITH TIBIAL DEFECTS; OFD SYNDROME, BARAITSER-BURN TYPE; OFDS IV; ORAL-FACIAL-DIGITAL SYNDROME, TYPE IV. Identifiers: Orphanet 2753, MedGen C0406727, MONDO:0009794, OMIM 258860.

gnomAD v4.1: 5 of 1,614,004 alleles (0.00031%); highest among the groups gnomAD compares: Non-Finnish European, 0.00042%; no homozygotes.

Submission:

Labcorp Genetics (formerly Invitae), Labcorp
Classification: Uncertain significance for Joubert syndrome 18; Orofacial-digital syndrome IV. Last evaluated: 2024-09-29. Review status: criteria provided, single submitter. Criteria: Invitae Variant Classification Sherloc (09022015). Collection method: clinical testing. Allele origin: germline.
Comment: This sequence change replaces glutamine, which is neutral and polar, with lysine, which is basic and polar, at codon 293 of the TCTN3 protein (p.Gln293Lys). This variant is not present in population databases (gnomAD no frequency). This variant has not been reported in the literature in individuals affected with TCTN3-related conditions. ClinVar contains an entry for this variant (Variation ID: 1964780). Invitae Evidence Modeling of protein sequence and biophysical properties (such as structural, functional, and spatial information, amino acid conservation, physicochemical variation, residue mobility, and thermodynamic stability) indicates that this missense variant is not expected to disrupt TCTN3 protein function with a negative predictive value of 80%. In summary, the available evidence is currently insufficient to determine the role of this variant in disease. Therefore, it has been classified as a Variant of Uncertain Significance.